The following is an entry in ClinVar:

NM_001321075.3(DLG4):c.1069G>C (p.Asp357His)

Genes: DLG4 (discs large MAGUK scaffold protein 4; minus strand), LOC126862479 (MED14-independent group 3 enhancer GRCh37_chr17:7099412-7100611; plus strand). Cytogenetic location: 17p13.1.
Variant type: single nucleotide variant.
Coding change: c.1069G>C on transcript NM_001321075.3 (MANE Select); coding-DNA position 1069, G replaced by C.
Protein change: p.Asp357His; replaces aspartic acid 357 with histidine.
Molecular consequence: missense variant. On other transcripts: non-coding transcript variant (1).
Genome position (GRCh38, 1-based): chr17:7,196,771, C>G on the plus strand (G>C on the coding strand, the complement: DLG4 is on the minus strand). VCF-style: chr17-7196771-C-G. GRCh37 (hg19) VCF-style: chr17-7100090-C-G.
Other names: c.1060G>C, p.Asp354His (NM_001128827.4); c.1189G>C, p.Asp397His (NM_001321074.1); c.889G>C, p.Asp297His (NM_001321076.3, NM_001321077.3); c.1198G>C, p.Asp400His (NM_001365.5); c.988G>C, p.Asp330His (NM_001369566.3); short protein forms D297H, D330H, D354H, D357H, D397H, D400H.
Identifiers: ClinVar variation 3898525 (VCV003898525.7).

ClinVar aggregate classification (germline): Uncertain significance (1 of 4 stars; one submission).

gnomAD v4.1: 2 of 1,607,438 alleles (0.00012%); highest among the groups gnomAD compares: South Asian, 0.0011%; no homozygotes.

Submission:

CeGaT Center for Human Genetics Tuebingen
Classification: Uncertain significance. Last evaluated: 2025-04-01. Review status: criteria provided, single submitter. Criteria: CeGaT Center For Human Genetics Tuebingen Variant Classification Criteria Version 2. Collection method: clinical testing. Allele origin: germline. Affected: yes. Observed: 1 variant allele.
Comment: DLG4: PM2:Supporting, PP2, PP3